The following is an entry in ClinVar:

ClinVar aggregate classification (germline): Pathogenic/Likely pathogenic. Review status: criteria provided, multiple submitters, no conflicts (2 of 4 stars). 3 submissions from 3 submitters: Pathogenic (1); Likely pathogenic (1). 1 of the submissions does not count toward it. Last evaluated 2024-01-10.

Conditions:
Gilbert syndrome. Also called: Gilbert Disease; HYPERBILIRUBINEMIA I; HYPERBILIRUBINEMIA, ARIAS TYPE; Gilbert's syndrome; HYPERBILIRUBINEMIA, GILBERT TYPE. Identifiers: MedGen C0017551, MONDO:0007745, OMIM 143500.
Crigler-Najjar syndrome type 1. Also called: HYPERBILIRUBINEMIA, CRIGLER-NAJJAR TYPE I. Identifiers: Orphanet 79234, MedGen C0010324, MONDO:0021020, OMIM 218800.
Lucey-Driscoll syndrome (HBLRTFN). Also called: Transient familial neonatal hyperbilirubinemia. Identifiers: Orphanet 2312, MedGen C0270210, MONDO:0009383, OMIM 237900.
Crigler-Najjar syndrome, type II. Also called: HYPERBILIRUBINEMIA, CRIGLER-NAJJAR TYPE II; Crigler Najjar syndrome, type 2; Mutation in the UDP-glucuronosyl-transferase gene. Identifiers: Orphanet 205, Orphanet 79235, MedGen C2931132, MONDO:0011725, OMIM 606785.
BILIRUBIN, SERUM LEVEL OF, QUANTITATIVE TRAIT LOCUS 1 (BILIQTL1). Identifiers: MedGen C1866173, OMIM 601816.

Submissions (3):

Fulgent Genetics
Classification: Likely pathogenic for Gilbert syndrome; Crigler-Najjar syndrome type 1; Lucey-Driscoll syndrome; BILIRUBIN, SERUM LEVEL OF, QUANTITATIVE TRAIT LOCUS 1; Crigler-Najjar syndrome, type II. Last evaluated: 2024-01-10. Review status: criteria provided, single submitter. Criteria: ACMG Guidelines, 2015. Collection method: clinical testing. Allele origin: germline.

Labcorp Genetics (formerly Invitae), Labcorp
Classification: Pathogenic. Last evaluated: 2023-06-14. Review status: criteria provided, single submitter. Criteria: Invitae Variant Classification Sherloc (09022015). Collection method: clinical testing. Allele origin: germline.
Comment: This variant, c.513_515del, results in the deletion of 1 amino acid(s) of the UGT1A1 protein (p.Phe171del), but otherwise preserves the integrity of the reading frame. This variant is present in population databases (rs769799339, gnomAD 0.003%). This variant has been observed in individual(s) with Crigler-Najjar syndrome type I and Crigler-Najjar syndrome type II (PMID: 8226884, 9039987, 23099197, 25319636). In at least one individual the data is consistent with being in trans (on the opposite chromosome) from a pathogenic variant. This variant is also known as c.508_510delTTC and p.Phe170del. ClinVar contains an entry for this variant (Variation ID: 12271). Algorithms developed to predict the effect of variants on protein structure and function are not available or were not evaluated for this variant. Experimental studies have shown that this variant affects UGT1A1 function (PMID: 8226884). For these reasons, this variant has been classified as Pathogenic.

OMIM
Classification: Pathogenic for CRIGLER-NAJJAR SYNDROME, TYPE I. Last evaluated: 2005-03-01. Review status: no assertion criteria provided. Collection method: literature only. Allele origin: germline. Not counted in ClinVar's aggregate classification.

Literature cited by the submitters: PubMed 8226884 (cited by Labcorp Genetics (formerly Invitae), Labcorp and OMIM); PubMed 9039987 (cited by Labcorp Genetics (formerly Invitae), Labcorp and OMIM); PubMed 23099197 (cited by Labcorp Genetics (formerly Invitae), Labcorp); PubMed 25319636 (cited by Labcorp Genetics (formerly Invitae), Labcorp); PubMed 1692835 (cited by OMIM); PubMed 15586176 (cited by OMIM).

NM_000463.3(UGT1A1):c.510CTT[1] (p.Phe171del)

Genes: UGT1A7 (UDP glucuronosyltransferase family 1 member A7; plus strand), UGT1A8 (UDP glucuronosyltransferase family 1 member A8; plus strand), UGT1A3 (UDP glucuronosyltransferase family 1 member A3; plus strand), UGT1A (UDP glucuronosyltransferase family 1 member A complex locus; plus strand), UGT1A9 (UDP glucuronosyltransferase family 1 member A9; plus strand) and 5 more. Cytogenetic location: 2q37.1.
Variant type: Microsatellite.
Coding change: c.510CTT[1] on transcript NM_000463.3 (MANE Select); one copy of the 3-base unit CTT starting at c.510; the reference has two copies in a row; one copy, 3 bases deleted; also written c.513_515del.
Protein change: p.Phe171del; deletes phenylalanine 171.
Molecular consequence: inframe deletion. On other transcripts: intron variant (9), inframe indel (1).
Genome position (GRCh38, 1-based): chr2:233,760,800-233,760,802, CTT deleted; deleting any 3 consecutive bases within chr2:233,760,795-233,760,802 gives the same sequence; the position shown is the placement nearest the transcript's 3' end. VCF-style (leftmost placement, unchanged base first): chr2-233760794-ATTC-A. GRCh37 (hg19) VCF-style: chr2-234669440-ATTC-A.
Other names: F170del; UGT1A1*13; 508-510del; c.856-6234_856-6232del (NM_019076.5, NM_019075.4, NM_021027.3 and 1 more transcripts); c.61-6234_61-6232del (NM_205862.3); c.862-6234_862-6232del (NM_001072.4); c.868-6234_868-6232del (NM_019078.2, NM_007120.3, NM_019093.4); c.513_515del (NM_000463.2, NM_000463.3); short protein forms F171del.
Identifiers: ClinVar variation 12271 (VCV000012271.5), dbSNP rs587776762, ClinGen allele CA122051.
Genomic context (GRCh38, chr2:233,760,794, plus strand): 5'-GACGGACCCTTTCCTTCCTTGCAGCCCCATCGTGGCCCAGTACCTGTCTCTGCCCACTGT[ATTC>A]TTCTTGCATGCACTGCCATGCAGCCTGGAATTTGAGGCTACCCAGTGCCCCAACCCATTC-3'